The following is an entry in ClinVar:

ClinVar aggregate classification (germline): Uncertain significance (1 of 4 stars; one submission).

Submission:

Ambry Genetics
Classification: Uncertain significance. Last evaluated: 2024-10-14. Review status: criteria provided, single submitter. Criteria: Ambry Variant Classification Scheme 2023. Collection method: clinical testing. Allele origin: germline.
Comment: The p.P1991T variant (also known as c.5971C>A), located in coding exon 44 of the PRKDC gene, results from a C to A substitution at nucleotide position 5971. The proline at codon 1991 is replaced by threonine, an amino acid with highly similar properties. This amino acid position is conserved. In addition, this alteration is predicted to be deleterious by in silico analysis. Based on the available evidence, the clinical significance of this variant remains unclear.

NM_006904.7(PRKDC):c.5971C>A (p.Pro1991Thr)

Gene: PRKDC (protein kinase, DNA-activated, catalytic subunit; minus strand). Cytogenetic location: 8q11.21.
Variant type: single nucleotide variant.
Coding change: c.5971C>A on transcript NM_006904.7 (MANE Select); coding-DNA position 5971, C replaced by A.
Protein change: p.Pro1991Thr; replaces proline 1991 with threonine.
Molecular consequence: missense variant.
Genome position (GRCh38, 1-based): chr8:47,862,076, G>T on the plus strand (C>A on the coding strand, the complement: PRKDC is on the minus strand). VCF-style: chr8-47862076-G-T. GRCh37 (hg19) VCF-style: chr8-48774637-G-T.
Other names: c.5971C>A, p.Pro1991Thr (NM_001081640.2); short protein forms P1991T.
Identifiers: ClinVar variation 3425358 (VCV003425358.1).
Genomic context (GRCh38, chr8:47,862,076, plus strand): 5'-TGTGAGCACTTGATAAGTTTTTTTTAACATTGAAAATTTCACTCACCTCAACTTCTACAG[G>T]AAAATTATAGCGGCGCTTCAGGTCGATCAGATTTTCAAAAATAAGCAAGTTCTGTGAATA-3'
Protein context (NP_008835.5, residues 1981-2001): LIDLKRRYNF[Pro1991Thr]VEVEVPMERK